The following is an entry in ClinVar:

ClinVar aggregate classification (germline): Conflicting classifications of pathogenicity. Review status: criteria provided, conflicting classifications (1 of 4 stars). 3 submissions from 3 submitters: Uncertain significance (2); Likely benign (1). Last evaluated 2021-12-31.

Conditions:
Inborn genetic diseases. Identifiers: MedGen C0950123, MeSH D030342.
Neuronal ceroid lipofuscinosis. Also called: Neuronal Ceroid Lipofuscinoses. Identifiers: Orphanet 216, Orphanet 79263, MedGen C0027877, MONDO:0016295. Disease mechanism: loss of function.

Allele frequency attached by ClinVar (database versions not stated): TOPMed below 0.00001; ExAC 0.00004; gnomAD exomes 0.00004; gnomAD 0.00005; 1000 Genomes Project 0.00020; 1000 Genomes Project 30x 0.00031.
gnomAD v4.1: 70 of 1,613,628 alleles (0.0043%); highest among the groups gnomAD compares: South Asian, 0.068%; no homozygotes.

Submissions (3):

Labcorp Genetics (formerly Invitae), Labcorp
Classification: Uncertain significance for Neuronal ceroid lipofuscinosis. Last evaluated: 2021-12-31. Review status: criteria provided, single submitter. Criteria: Invitae Variant Classification Sherloc (09022015). Collection method: clinical testing. Allele origin: germline.
Comment: This sequence change replaces aspartic acid, which is acidic and polar, with asparagine, which is neutral and polar, at codon 35 of the CLN6 protein (p.Asp35Asn). This variant is present in population databases (rs533231370, gnomAD 0.03%). This variant has not been reported in the literature in individuals affected with CLN6-related conditions. ClinVar contains an entry for this variant (Variation ID: 1190672). Algorithms developed to predict the effect of missense changes on protein structure and function (SIFT, PolyPhen-2, Align-GVGD) all suggest that this variant is likely to be tolerated. In summary, the available evidence is currently insufficient to determine the role of this variant in disease. Therefore, it has been classified as a Variant of Uncertain Significance.

GeneDx
Classification: Likely benign. Last evaluated: 2020-04-17. Review status: criteria provided, single submitter. Criteria: GeneDx Variant Classification Process June 2021. Collection method: clinical testing. Allele origin: germline. Affected: yes.
Comment: In silico analysis supports that this missense variant does not alter protein structure/function; Has not been previously published as pathogenic or benign to our knowledge

Ambry Genetics
Classification: Uncertain significance for Inborn genetic diseases. Last evaluated: 2017-12-17. Review status: criteria provided, single submitter. Criteria: Ambry Variant Classification Scheme 2023. Collection method: clinical testing. Allele origin: germline.
Comment: The p.D35N variant (also known as c.103G>A), located in coding exon 2 of the CLN6 gene, results from a G to A substitution at nucleotide position 103. The aspartic acid at codon 35 is replaced by asparagine, an amino acid with highly similar properties. This amino acid position is not well conserved in available vertebrate species. In addition, this alteration is predicted to be tolerated by in silico analysis. Since supporting evidence is limited at this time, the clinical significance of this alteration remains unclear.

NM_017882.3(CLN6):c.103G>A (p.Asp35Asn)

Gene: CLN6 (CLN6 transmembrane ER protein; minus strand). Cytogenetic location: 15q23.
Variant type: single nucleotide variant.
Coding change: c.103G>A on transcript NM_017882.3 (MANE Select); coding-DNA position 103, G replaced by A.
Protein change: p.Asp35Asn; replaces aspartic acid 35 with asparagine.
Molecular consequence: missense variant.
Genome position (GRCh38, 1-based): chr15:68,218,631, C>T on the plus strand (G>A on the coding strand, the complement: CLN6 is on the minus strand). VCF-style: chr15-68218631-C-T. GRCh37 (hg19) VCF-style: chr15-68510969-C-T.
Other names: short protein forms D35N.
Identifiers: ClinVar variation 1190672 (VCV001190672.9), dbSNP rs533231370, ClinGen allele CA7630712.